The following is an entry in ClinVar:

NM_004444.5(EPHB4):c.1976G>A (p.Arg659His)

Gene: EPHB4 (EPH receptor B4; minus strand). Cytogenetic location: 7q22.1.
Variant type: single nucleotide variant.
Coding change: c.1976G>A on transcript NM_004444.5 (MANE Select); coding-DNA position 1976, G replaced by A.
Protein change: p.Arg659His; replaces arginine 659 with histidine.
Molecular consequence: missense variant.
Genome position (GRCh38, 1-based): chr7:100,812,889, C>T on the plus strand (G>A on the coding strand, the complement: EPHB4 is on the minus strand). VCF-style: chr7-100812889-C-T. GRCh37 (hg19) VCF-style: chr7-100410511-C-T.
Other names: short protein forms R659H.
Identifiers: ClinVar variation 1783717 (VCV001783717.3), dbSNP rs776960865, ClinGen allele CA4392764.

ClinVar aggregate classification (germline): Uncertain significance (1 of 4 stars; one submission).

Conditions:
Cardiovascular phenotype. Identifiers: MedGen CN230736.

Allele frequency attached by ClinVar (database versions not stated): ExAC 0.00001; gnomAD 0.00003; TOPMed 0.00003.

Submission:

Ambry Genetics
Classification: Uncertain significance for Cardiovascular phenotype. Last evaluated: 2024-11-18. Review status: criteria provided, single submitter. Criteria: Ambry Variant Classification Scheme 2023. Collection method: clinical testing. Allele origin: germline.
Comment: The p.R659H variant (also known as c.1976G>A), located in coding exon 12 of the EPHB4 gene, results from a G to A substitution at nucleotide position 1976. The arginine at codon 659 is replaced by histidine, an amino acid with highly similar properties. This amino acid position is highly conserved in available vertebrate species. In addition, the in silico prediction for this alteration is inconclusive. Since supporting evidence is limited at this time, the clinical significance of this alteration remains unclear.